The following is an entry in ClinVar:

ClinVar aggregate classification (germline): Uncertain significance. Review status: criteria provided, multiple submitters, no conflicts (2 of 4 stars). 4 submissions from 4 submitters: Uncertain significance (4). Last evaluated 2024-11-09.

Conditions:
Retinitis pigmentosa (RP). Identifiers: Orphanet 791, MedGen C0035334, MeSH D012174, MONDO:0019200, OMIM 268000. Inheritance: Autosomal dominant, autosomal recessive and X linked inheritance.
Inborn genetic diseases. Identifiers: MedGen C0950123, MeSH D030342.

Allele frequency attached by ClinVar (database versions not stated): TOPMed below 0.00001; gnomAD 0.00001; gnomAD exomes 0.00001 and 0.00002; ESP Exome Variant Server 0.00008.

Submissions (4):

Ambry Genetics
Classification: Uncertain significance for Inborn genetic diseases. Last evaluated: 2024-11-09. Review status: criteria provided, single submitter. Criteria: Ambry Variant Classification Scheme 2023. Collection method: clinical testing. Allele origin: germline.

Labcorp Genetics (formerly Invitae), Labcorp
Classification: Uncertain significance. Last evaluated: 2022-10-13. Review status: criteria provided, single submitter. Criteria: Invitae Variant Classification Sherloc (09022015). Collection method: clinical testing. Allele origin: germline.
Comment: This sequence change replaces leucine, which is neutral and non-polar, with phenylalanine, which is neutral and non-polar, at codon 163 of the EYS protein (p.Leu163Phe). This variant is present in population databases (rs144074328, gnomAD 0.003%). This variant has not been reported in the literature in individuals affected with EYS-related conditions. ClinVar contains an entry for this variant (Variation ID: 910003). Advanced modeling of protein sequence and biophysical properties (such as structural, functional, and spatial information, amino acid conservation, physicochemical variation, residue mobility, and thermodynamic stability) has been performed at Invitae for this missense variant, however the output from this modeling did not meet the statistical confidence thresholds required to predict the impact of this variant on EYS protein function. In summary, the available evidence is currently insufficient to determine the role of this variant in disease. Therefore, it has been classified as a Variant of Uncertain Significance.

Blueprint Genetics
Classification: Uncertain significance. Last evaluated: 2021-04-19. Review status: criteria provided, single submitter. Criteria: ACMG Guidelines, 2015. Collection method: clinical testing. Allele origin: germline.

Illumina Laboratory Services, Illumina
Classification: Uncertain significance for Retinitis pigmentosa. Last evaluated: 2018-01-12. Review status: criteria provided, single submitter. Criteria: ICSL Variant Classification Criteria 13 December 2019. Collection method: clinical testing. Allele origin: germline.

NM_001142800.2(EYS):c.487C>T (p.Leu163Phe)

Gene: EYS (EGF-like photoreceptor maintenance factor; minus strand). Cytogenetic location: 6q12.
Variant type: single nucleotide variant.
Coding change: c.487C>T on transcript NM_001142800.2 (MANE Select); coding-DNA position 487, C replaced by T.
Protein change: p.Leu163Phe; replaces leucine 163 with phenylalanine.
Molecular consequence: missense variant.
Genome position (GRCh38, 1-based): chr6:65,494,924, G>A on the plus strand (C>T on the coding strand, the complement: EYS is on the minus strand). VCF-style: chr6-65494924-G-A. GRCh37 (hg19) VCF-style: chr6-66204817-G-A.
Other names: c.487C>T, p.Leu163Phe (NM_001142801.2, NM_001292009.2, NM_198283.2); short protein forms L163F.
Identifiers: ClinVar variation 910003 (VCV000910003.7), dbSNP rs144074328, ClinGen allele CA140434966.